The following is an entry in ClinVar:

NM_024757.5(EHMT1):c.3000del (p.Asp1001fs)

Gene: EHMT1 (euchromatic histone lysine methyltransferase 1; plus strand). Cytogenetic location: 9q34.3.
Variant type: Deletion.
Coding change: c.3000del on transcript NM_024757.5 (MANE Select); coding-DNA position 3000, one base deleted (C; older notation c.3000delC).
Protein change: p.Asp1001fs; shifts the reading frame from aspartic acid 1001.
Molecular consequence: frameshift variant.
Genome position (GRCh38, 1-based): chr9:137,813,138, C deleted; the last of 5 consecutive C bases (chr9:137,813,134-137,813,138); deleting any one gives the same sequence. VCF-style (leftmost placement, unchanged base first): chr9-137813133-GC-G. GRCh37 (hg19) VCF-style: chr9-140707585-GC-G.
Other names: c.2979del, p.Asp994fs (NM_001354263.2); short protein forms D1001fs, D994fs.
Identifiers: ClinVar variation 1031404 (VCV001031404.11), dbSNP rs1954627505, ClinGen allele CA1884685721.

ClinVar aggregate classification (germline): Pathogenic. Review status: criteria provided, multiple submitters, no conflicts (2 of 4 stars). 4 submissions from 4 submitters: Pathogenic (4). Last evaluated 2024-11-13.

Conditions:
Kleefstra syndrome 1 (KLEFS1). Identifiers: Orphanet 261494, MedGen C0795833, MONDO:0027407, OMIM 610253.

Submissions (4):

Labcorp Genetics (formerly Invitae), Labcorp
Classification: Pathogenic for Kleefstra syndrome 1. Last evaluated: 2024-11-13. Review status: criteria provided, single submitter. Criteria: Invitae Variant Classification Sherloc (09022015). Collection method: clinical testing. Allele origin: germline.
Comment: This sequence change creates a premature translational stop signal (p.Asp1001Thrfs*9) in the EHMT1 gene. It is expected to result in an absent or disrupted protein product. Loss-of-function variants in EHMT1 are known to be pathogenic (PMID: 16826528, 19264732). This variant is not present in population databases (gnomAD no frequency). This premature translational stop signal has been observed in individual(s) with clinical features of Kleefstra syndrome (PMID: 30525188). ClinVar contains an entry for this variant (Variation ID: 1031404). For these reasons, this variant has been classified as Pathogenic.

Laboratory of Medical Genetics, University of Torino
Classification: Pathogenic for Kleefstra syndrome 1. Last evaluated: 2022-11-29. Review status: criteria provided, single submitter. Criteria: ACMG Guidelines, 2015. Collection method: research. Allele origin: germline. Affected: yes. Study: NeuroWES.

Baylor Genetics
Classification: Pathogenic for Kleefstra syndrome 1. Last evaluated: 2018-07-17. Review status: criteria provided, single submitter. Criteria: ACMG Guidelines, 2015. Collection method: clinical testing. Allele origin: de novo. Affected: yes.
Comment: This variant was determined to be pathogenic according to ACMG Guidelines, 2015 [PMID:25741868].

Laboratory of Genetics, Children's Clinical University Hospital Latvia
Classification: Pathogenic for Kleefstra syndrome 1. Review status: criteria provided, single submitter. Criteria: ACMG Guidelines, 2015. Collection method: curation. Allele origin: germline. Affected: yes.
Comment: Inheritance unknown

Literature cited by the submitters: PubMed 16826528 (cited by Labcorp Genetics (formerly Invitae), Labcorp); PubMed 19264732 (cited by Labcorp Genetics (formerly Invitae), Labcorp); PubMed 30525188 (cited by Labcorp Genetics (formerly Invitae), Labcorp); PubMed 39013458 (cited by Laboratory of Genetics, Children's Clinical University Hospital Latvia).